The following is an entry in ClinVar:

ClinVar aggregate classification (germline): Likely benign. Review status: criteria provided, multiple submitters, no conflicts (2 of 4 stars). 4 submissions from 4 submitters: Likely benign (4). Last evaluated 2024-01-31.

Conditions:
Nonsyndromic genetic hearing loss. Also called: Non-syndromic genetic deafness; Nonsyndromic hearing loss and deafness; Nonsyndromic genetic deafness. Identifiers: Orphanet 87884, MedGen C5680182, MONDO:0019497.

Allele frequency attached by ClinVar (database versions not stated): gnomAD exomes below 0.00001; TOPMed below 0.00001.
gnomAD v4.1: 1 of 1,613,760 alleles (0.000062%); highest among the groups gnomAD compares: Non-Finnish European, 0.000085%; no homozygotes.

Submissions (4):

Labcorp Genetics (formerly Invitae), Labcorp
Classification: Likely benign. Last evaluated: 2024-01-31. Review status: criteria provided, single submitter. Criteria: Invitae Variant Classification Sherloc (09022015). Collection method: clinical testing. Allele origin: germline.

Blueprint Genetics
Classification: Likely benign. Last evaluated: 2022-11-29. Review status: criteria provided, single submitter. Criteria: ACMG Guidelines, 2015. Collection method: clinical testing. Allele origin: germline.

INGEBI, INGEBI / CONICET
Classification: Likely benign for Nonsyndromic hearing loss and deafness. Last evaluated: 2020-08-31. Review status: criteria provided, single submitter. Criteria: ClinGen HL ACMG Specifications v1. Collection method: clinical testing. Allele origin: germline. Inheritance: Autosomal recessive inheritance. Affected: yes. Observed: 1 variant allele.
Comment: Based on ACMG/AMP guidelines and Hearing Loss Expert Panel specific criteria: the c.384C>T p.(Ile128=) variant in GJB2 gene is absent from population databases (gnomAD, GO-ESP, 1000 genomes) meeting PM2 criteria. This variant has been detected in a heterozygous state in two hearing impaired patients (PMID:928500, 11102979). In a previous report we detected the p.Ile128= variant in cis with a pathogenic variant (PMID: 24158611). Since the cause of the hearing loss was the c.[35delG];[167delT] genotype, the p.(Ile128=) change is in cis with one of these alleles applying to BP2 rule. Computational evidence predicted that the mutation is not conserved between species (GERPscore:-1.12; BP4) and there is no impact on splicing (analyzed with Human Splicing Finder) meeting BP7 rule. Therefore, this variant meets criteria to be classified as likely benign for autosomal recessive non-syndromic hearing loss (PM2, BP2, BP4 and BP7).

Laboratory for Molecular Medicine, Mass General Brigham Personalized Medicine
Classification: Likely benign. Last evaluated: 2007-02-21. Review status: criteria provided, single submitter. Criteria: LMM Criteria. Collection method: clinical testing. Allele origin: germline. Observed: 1 variant allele.

Literature cited by the submitters: PubMed 24158611 (cited by INGEBI, INGEBI / CONICET); PubMed 19230829 (cited by Laboratory for Molecular Medicine, Mass General Brigham Personalized Medicine); PubMed 9285800 (cited by Laboratory for Molecular Medicine, Mass General Brigham Personalized Medicine); PubMed 11102979 (cited by Laboratory for Molecular Medicine, Mass General Brigham Personalized Medicine).

NM_004004.6(GJB2):c.384C>T (p.Ile128=)

Gene: GJB2 (gap junction protein beta 2; minus strand). Cytogenetic location: 13q12.11.
Variant type: single nucleotide variant.
Coding change: c.384C>T on transcript NM_004004.6 (MANE Select); coding-DNA position 384, C replaced by T.
Protein change: p.Ile128=; no amino-acid change (isoleucine 128 retained).
Molecular consequence: synonymous variant.
Genome position (GRCh38, 1-based): chr13:20,189,198, G>A on the plus strand (C>T on the coding strand, the complement: GJB2 is on the minus strand). VCF-style: chr13-20189198-G-A. GRCh37 (hg19) VCF-style: chr13-20763337-G-A.
Identifiers: ClinVar variation 44746 (VCV000044746.17), dbSNP rs111033298, ClinGen allele CA134968.
Genomic context (GRCh38, chr13:20,189,198, plus strand): 5'-GGCTTCGAAGATGACCCGGAAGAAGATGCTGCTTGTGTAGGTCCACCACAGGGAGCCTTC[G>A]ATGCGGACCTTCTGGGTTTTGATCTCCTCGATGTCCTTAAATTCACTCTTTATCTCCCCC-3'
Protein context (NP_003995.2, residues 118-138): IEEIKTQKVR[Ile128=]EGSLWWTYTS